The following is an entry in ClinVar:

NM_053025.4(MYLK):c.3651G>A (p.Glu1217=)

Gene: MYLK (myosin light chain kinase; minus strand). Cytogenetic location: 3q21.1.
Variant type: single nucleotide variant.
Coding change: c.3651G>A on transcript NM_053025.4 (MANE Select); coding-DNA position 3651, G replaced by A.
Protein change: p.Glu1217=; no amino-acid change (glutamic acid 1217 retained).
Molecular consequence: synonymous variant.
Genome position (GRCh38, 1-based): chr3:123,682,225, C>T on the plus strand (G>A on the coding strand, the complement: MYLK is on the minus strand). VCF-style: chr3-123682225-C-T. GRCh37 (hg19) VCF-style: chr3-123401072-C-T.
Other names: c.3123G>A, p.Glu1041= (NM_001321309.2); c.3444G>A, p.Glu1148= (NM_053026.4, NM_053028.4); c.3651G>A, p.Glu1217= (NM_053027.4).
Identifiers: ClinVar variation 3401132 (VCV003401132.2).

ClinVar aggregate classification (germline): Conflicting classifications of pathogenicity. Review status: criteria provided, conflicting classifications (1 of 4 stars). 2 submissions from 2 submitters: Uncertain significance (1); Likely benign (1). Last evaluated 2025-11-09.

Conditions:
Aortic aneurysm, familial thoracic 7 (AAT7). Also called: AORTIC DISSECTION, FAMILIAL, WITH OR WITHOUT AORTIC ANEURYSM. Identifiers: MedGen C3151077, MONDO:0013418, OMIM 613780.
Familial thoracic aortic aneurysm and aortic dissection (TAAD). Also called: Thoracic aortic aneurysms and dissections. Identifiers: Orphanet 91387, MedGen C4707243, MONDO:0019625.

gnomAD v4.1: 6 of 1,597,772 alleles (0.00038%); highest among the groups gnomAD compares: Non-Finnish European, 0.00034%; no homozygotes.

Submissions (2):

Labcorp Genetics (formerly Invitae), Labcorp
Classification: Uncertain significance for Aortic aneurysm, familial thoracic 7. Last evaluated: 2025-11-09. Review status: criteria provided, single submitter. Criteria: Invitae Variant Classification Sherloc (09022015). Collection method: clinical testing. Allele origin: germline.
Comment: This sequence change affects codon 1217 of the MYLK mRNA. It is a 'silent' change, meaning that it does not change the encoded amino acid sequence of the MYLK protein. It affects a nucleotide within the consensus splice site. This variant is not present in population databases (gnomAD no frequency). This variant has not been reported in the literature in individuals affected with MYLK-related conditions. ClinVar contains an entry for this variant (Variation ID: 3401132). Algorithms developed to predict the effect of sequence changes on RNA splicing suggest that this variant is not likely to affect RNA splicing. In summary, the available evidence is currently insufficient to determine the role of this variant in disease. Therefore, it has been classified as a Variant of Uncertain Significance.

Ambry Genetics
Classification: Likely benign for Familial thoracic aortic aneurysm and aortic dissection. Last evaluated: 2024-12-07. Review status: criteria provided, single submitter. Criteria: Ambry Variant Classification Scheme 2023. Collection method: clinical testing. Allele origin: germline.